The following is an entry in ClinVar:

ClinVar aggregate classification (germline): Pathogenic (1 of 4 stars; one submission).

Conditions:
Autosomal recessive nonsyndromic hearing loss 4 (DFNB4). Also called: Deafness, autosomal recessive 4; FOXI1-Related Pendred Syndrome; KCNJ10-Related Pendred Syndrome; DEAFNESS, AUTOSOMAL RECESSIVE 4, WITH ENLARGED VESTIBULAR AQUEDUCT, DIGENIC; NEUROSENSORY NONSYNDROMIC RECESSIVE DEAFNESS 4; Nonsyndromic enlarged vestibular aqueduct (NSEVA). Identifiers: Orphanet 90636, MedGen C3538946, MONDO:0010933, OMIM 600791.

Submission:

Institute of Rare Diseases, West China Hospital, Sichuan University
Classification: Pathogenic for Autosomal recessive nonsyndromic hearing loss 4. Last evaluated: 2025-01-09. Review status: criteria provided, single submitter. Criteria: ClinGen HL ACMG Specifications v1. Collection method: research. Allele origin: germline. Affected: yes.
Comment: PVS1;PM3;PM2_Supporting

NM_000441.2(SLC26A4):c.2035-8_2035-2del

Gene: SLC26A4 (solute carrier family 26 member 4; plus strand). Cytogenetic location: 7q22.3.
Variant type: Deletion.
Coding change: c.2035-8_2035-2del on transcript NM_000441.2 (MANE Select); 8 bases into the intron before coding-DNA position 2035 through the canonical splice acceptor site of the intron before coding-DNA position 2035, 7 bases deleted (ATTTTTA; older notation c.2035-8_2035-2delATTTTTA).
Molecular consequence: splice acceptor variant.
Genome position (GRCh38, 1-based): chr7:107,704,323-107,704,329, ATTTTTA deleted. VCF-style (leftmost placement, unchanged base first): chr7-107704322-TATTTTTA-T. GRCh37 (hg19) VCF-style: chr7-107344767-TATTTTTA-T.
Identifiers: ClinVar variation 3601759 (VCV003601759.1).